The following is an entry in ClinVar:

ClinVar aggregate classification (germline): Likely benign. Review status: criteria provided, multiple submitters, no conflicts (2 of 4 stars). 2 submissions from 2 submitters: Likely benign (2). Last evaluated 2024-12-04.

Conditions:
Ehlers-Danlos syndrome, classic type, 1 (EDSCL1). Also called: Ehlers-Danlos Syndrome, Classic Type, COL5A1-Related; EDS I; Ehlers-Danlos syndrome, type 1; EHLERS-DANLOS SYNDROME, GRAVIS TYPE; EHLERS-DANLOS SYNDROME, SEVERE CLASSIC TYPE. Identifiers: MedGen C0268335, MONDO:0019567, OMIM 130000.

Submissions (2):

Labcorp Genetics (formerly Invitae), Labcorp
Classification: Likely benign for Ehlers-Danlos syndrome, classic type, 1. Last evaluated: 2024-12-04. Review status: criteria provided, single submitter. Criteria: Invitae Variant Classification Sherloc (09022015). Collection method: clinical testing. Allele origin: germline.

GeneDx
Classification: Likely benign. Last evaluated: 2018-01-09. Review status: criteria provided, single submitter. Criteria: GeneDx Variant Classification (06012015). Collection method: clinical testing. Allele origin: germline. Affected: yes.
Comment: This variant is considered likely benign or benign based on one or more of the following criteria: it is a conservative change, it occurs at a poorly conserved position in the protein, it is predicted to be benign by multiple in silico algorithms, and/or has population frequency not consistent with disease.

NM_000393.5(COL5A2):c.4113+16del

Gene: COL5A2 (collagen type V alpha 2 chain; minus strand). Cytogenetic location: 2q32.2.
Variant type: Deletion.
Coding change: c.4113+16del on transcript NM_000393.5 (MANE Select); 16 bases into the intron after coding-DNA position 4113, one base deleted (T; older notation c.4113+16delT).
Molecular consequence: intron variant.
Genome position (GRCh38, 1-based): chr2:189,036,600, A deleted on the plus strand (T on the coding strand, the reverse complement: COL5A2 is on the minus strand); the first of 3 consecutive A bases (chr2:189,036,600-189,036,602); deleting any one gives the same sequence. VCF-style (leftmost placement, unchanged base first): chr2-189036599-TA-T. GRCh37 (hg19) VCF-style: chr2-189901325-TA-T.
Other names: c.4113+16delT (NM_000393.3).
Identifiers: ClinVar variation 514666 (VCV000514666.4), dbSNP rs779762130, ClinGen allele CA2021856.